The following is an entry in ClinVar:

NM_144631.6(ZNF513):c.767A>G (p.Glu256Gly)

Gene: ZNF513 (zinc finger protein 513; minus strand). Cytogenetic location: 2p23.3.
Variant type: single nucleotide variant.
Coding change: c.767A>G on transcript NM_144631.6 (MANE Select); coding-DNA position 767, A replaced by G.
Protein change: p.Glu256Gly; replaces glutamic acid 256 with glycine.
Molecular consequence: missense variant.
Genome position (GRCh38, 1-based): chr2:27,378,499, T>C on the plus strand (A>G on the coding strand, the complement: ZNF513 is on the minus strand). VCF-style: chr2-27378499-T-C. GRCh37 (hg19) VCF-style: chr2-27601366-T-C.
Other names: c.767A>G (NM_144631.5); c.581A>G, p.Glu194Gly (NM_001201459.2); short protein forms E194G, E256G.
Identifiers: ClinVar variation 1006007 (VCV001006007.10), dbSNP rs1277689809, ClinGen allele CA346217457.

ClinVar aggregate classification (germline): Uncertain significance. Review status: criteria provided, multiple submitters, no conflicts (2 of 4 stars). 2 submissions from 2 submitters: Uncertain significance (2). Last evaluated 2025-09-28.

Allele frequency attached by ClinVar (database versions not stated): gnomAD exomes below 0.00001.
gnomAD v4.1: 1 of 1,614,126 alleles (0.000062%); highest among the groups gnomAD compares: African/African-American, 0.0013%; no homozygotes.

Submissions (2):

Ambry Genetics
Classification: Uncertain significance. Last evaluated: 2025-09-28. Review status: criteria provided, single submitter. Criteria: Ambry Variant Classification Scheme 2023. Collection method: clinical testing. Allele origin: germline.

Labcorp Genetics (formerly Invitae), Labcorp
Classification: Uncertain significance. Last evaluated: 2020-02-07. Review status: criteria provided, single submitter. Criteria: Invitae Variant Classification Sherloc (09022015). Collection method: clinical testing. Allele origin: germline.
Comment: This sequence change replaces glutamic acid with glycine at codon 256 of the ZNF513 protein (p.Glu256Gly). The glutamic acid residue is highly conserved and there is a moderate physicochemical difference between glutamic acid and glycine. In summary, the available evidence is currently insufficient to determine the role of this variant in disease. Therefore, it has been classified as a Variant of Uncertain Significance. Algorithms developed to predict the effect of missense changes on protein structure and function are either unavailable or do not agree on the potential impact of this missense change (SIFT: "Deleterious"; PolyPhen-2: "Benign"; Align-GVGD: "Class C65"). This variant has not been reported in the literature in individuals with ZNF513-related conditions. This variant is not present in population databases (ExAC no frequency).